The following is an entry in ClinVar:

ClinVar aggregate classification (germline): Uncertain significance (1 of 4 stars; one submission).

Conditions:
Inborn genetic diseases. Identifiers: MedGen C0950123, MeSH D030342.

Allele frequency attached by ClinVar (database versions not stated): ExAC 0.00001.
gnomAD v4.1: 2 of 1,614,186 alleles (0.00012%); highest among the groups gnomAD compares: Non-Finnish European, 0.00017%; no homozygotes.

Submission:

Ambry Genetics
Classification: Uncertain significance for Inborn genetic diseases. Last evaluated: 2023-09-05. Review status: criteria provided, single submitter. Criteria: Ambry Variant Classification Scheme 2023. Collection method: clinical testing. Allele origin: germline.
Comment: The p.M266T variant (also known as c.797T>C), located in coding exon 7 of the BUB1B gene, results from a T to C substitution at nucleotide position 797. The methionine at codon 266 is replaced by threonine, an amino acid with similar properties. This amino acid position is conserved. In addition, this alteration is predicted to be tolerated by in silico analysis. Since supporting evidence is limited at this time, the clinical significance of this alteration remains unclear.

NM_001211.6(BUB1B):c.797T>C (p.Met266Thr)

Gene: BUB1B (BUB1 mitotic checkpoint serine/threonine kinase B; plus strand). Cytogenetic location: 15q15.1.
Variant type: single nucleotide variant.
Coding change: c.797T>C on transcript NM_001211.6 (MANE Select); coding-DNA position 797, T replaced by C.
Protein change: p.Met266Thr; replaces methionine 266 with threonine.
Molecular consequence: missense variant.
Genome position (GRCh38, 1-based): chr15:40,185,210, T>C. VCF-style: chr15-40185210-T-C. GRCh37 (hg19) VCF-style: chr15-40477411-T-C.
Other names: short protein forms M266T.
Identifiers: ClinVar variation 1761463 (VCV001761463.3), dbSNP rs745796231, ClinGen allele CA7475572.